The following is an entry in ClinVar:

NM_000384.3(APOB):c.6001A>G (p.Thr2001Ala)

Gene: APOB (apolipoprotein B; minus strand). Cytogenetic location: 2p24.1.
Variant type: single nucleotide variant.
Coding change: c.6001A>G on transcript NM_000384.3 (MANE Select); coding-DNA position 6001, A replaced by G.
Protein change: p.Thr2001Ala; replaces threonine 2001 with alanine.
Molecular consequence: missense variant.
Genome position (GRCh38, 1-based): chr2:21,010,867, T>C on the plus strand (A>G on the coding strand, the complement: APOB is on the minus strand). VCF-style: chr2-21010867-T-C. GRCh37 (hg19) VCF-style: chr2-21233739-T-C.
Other names: short protein forms T2001A.
Identifiers: ClinVar variation 918465 (VCV000918465.11), dbSNP rs140327327, ClinGen allele CA062718.

ClinVar aggregate classification (germline): Conflicting classifications of pathogenicity. Review status: criteria provided, conflicting classifications (1 of 4 stars). 3 submissions from 3 submitters: Uncertain significance (2); Likely benign (1). Last evaluated 2025-03-29.

Conditions:
Cardiovascular phenotype. Identifiers: MedGen CN230736.
Familial hypobetalipoproteinemia 1. Also called: Hypobetalipoproteinemia, normotriglyceridemic; Acanthocytosis with hypobetalipoproteinemia; APOB-Related Familial Hypobetalipoproteinemia. Identifiers: MedGen C4551990, MONDO:0014252, OMIM 615558.
Hypercholesterolemia, autosomal dominant, type B (FHCL2). Also called: Familial Hypercholesterolemia Type B; HYPERCHOLESTEROLEMIA, FAMILIAL, DUE TO LIGAND-DEFECTIVE APOLIPOPROTEIN B; Familial hypercholesterolemia 2; APOB-Related Familial Hypercholesterolemia, Autosomal Dominant; APOLIPOPROTEIN B-100, FAMILIAL DEFECTIVE; APOLIPOPROTEIN B-100, FAMILIAL LIGAND-DEFECTIVE. Identifiers: MedGen C1704417, MONDO:0007751, OMIM 144010.

Allele frequency attached by ClinVar (database versions not stated): gnomAD exomes 0.00001 and 0.00003; ExAC 0.00002; gnomAD 0.00002; TOPMed 0.00002; ESP Exome Variant Server 0.00008.
gnomAD v4.1: 21 of 1,614,038 alleles (0.0013%); highest among the groups gnomAD compares: Non-Finnish European, 0.0017%; no homozygotes.

Submissions (3):

Labcorp Genetics (formerly Invitae), Labcorp
Classification: Likely benign for Familial hypobetalipoproteinemia 1; Hypercholesterolemia, autosomal dominant, type B. Last evaluated: 2025-03-29. Review status: criteria provided, single submitter. Criteria: Invitae Variant Classification Sherloc (09022015). Collection method: clinical testing. Allele origin: germline.

Ambry Genetics
Classification: Uncertain significance for Cardiovascular phenotype. Last evaluated: 2024-04-07. Review status: criteria provided, single submitter. Criteria: Ambry Variant Classification Scheme 2023. Collection method: clinical testing. Allele origin: germline.
Comment: The p.T2001A variant (also known as c.6001A>G), located in coding exon 26 of the APOB gene, results from an A to G substitution at nucleotide position 6001. The threonine at codon 2001 is replaced by alanine, an amino acid with similar properties. This amino acid position is conserved. In addition, this alteration is predicted to be tolerated by in silico analysis. Since supporting evidence is limited at this time, the clinical significance of this alteration remains unclear.

GeneDx
Classification: Uncertain significance. Last evaluated: 2023-02-07. Review status: criteria provided, single submitter. Criteria: GeneDx Variant Classification Process June 2021. Collection method: clinical testing. Allele origin: germline. Affected: yes.
Comment: Has not been previously published as pathogenic or benign to our knowledge; In silico analysis supports that this missense variant has a deleterious effect on protein structure/function